The following is an entry in ClinVar:

NM_053025.4(MYLK):c.5488T>A (p.Cys1830Ser)

Genes: MYLK (myosin light chain kinase; minus strand), MYLK-AS1 (MYLK antisense RNA 1; plus strand). Cytogenetic location: 3q21.1.
Variant type: single nucleotide variant.
Coding change: c.5488T>A on transcript NM_053025.4 (MANE Select); coding-DNA position 5488, T replaced by A.
Protein change: p.Cys1830Ser; replaces cysteine 1830 with serine.
Molecular consequence: missense variant.
Genome position (GRCh38, 1-based): chr3:123,618,651, A>T on the plus strand (T>A on the coding strand, the complement: MYLK is on the minus strand). VCF-style: chr3-123618651-A-T. GRCh37 (hg19) VCF-style: chr3-123337498-A-T.
Other names: c.4960T>A, p.Cys1654Ser (NM_001321309.2); c.5281T>A, p.Cys1761Ser (NM_053026.4); c.5335T>A, p.Cys1779Ser (NM_053027.4); c.5128T>A, p.Cys1710Ser (NM_053028.4); c.205T>A, p.Cys69Ser (NM_053031.4); c.208T>A, p.Cys70Ser (NM_053032.4); short protein forms C1830S, C69S, C1654S, C1761S, C1710S, C1779S, C70S.
Identifiers: ClinVar variation 1487733 (VCV001487733.6), dbSNP rs2107863286, ClinGen allele CA354230828.

ClinVar aggregate classification (germline): Uncertain significance (1 of 4 stars; one submission).

Conditions:
Aortic aneurysm, familial thoracic 7 (AAT7). Also called: AORTIC DISSECTION, FAMILIAL, WITH OR WITHOUT AORTIC ANEURYSM. Identifiers: MedGen C3151077, MONDO:0013418, OMIM 613780.

Submission:

Labcorp Genetics (formerly Invitae), Labcorp
Classification: Uncertain significance for Aortic aneurysm, familial thoracic 7. Last evaluated: 2021-09-25. Review status: criteria provided, single submitter. Criteria: Invitae Variant Classification Sherloc (09022015). Collection method: clinical testing. Allele origin: germline.
Comment: In summary, the available evidence is currently insufficient to determine the role of this variant in disease. Therefore, it has been classified as a Variant of Uncertain Significance. Algorithms developed to predict the effect of missense changes on protein structure and function are either unavailable or do not agree on the potential impact of this missense change (SIFT: "Deleterious"; PolyPhen-2: "Probably Damaging"; Align-GVGD: "Class C0"). This variant has not been reported in the literature in individuals affected with MYLK-related conditions. This variant is not present in population databases (ExAC no frequency). This sequence change replaces cysteine with serine at codon 1830 of the MYLK protein (p.Cys1830Ser). The cysteine residue is highly conserved and there is a moderate physicochemical difference between cysteine and serine.